The following is an entry in ClinVar:

ClinVar aggregate classification (germline): Uncertain significance (1 of 4 stars; one submission).

gnomAD v4.1: 1 of 1,614,110 alleles (0.000062%); no homozygotes.

Submission:

Labcorp Genetics (formerly Invitae), Labcorp
Classification: Uncertain significance. Last evaluated: 2024-04-29. Review status: criteria provided, single submitter. Criteria: Invitae Variant Classification Sherloc (09022015). Collection method: clinical testing. Allele origin: germline.
Comment: This sequence change replaces isoleucine, which is neutral and non-polar, with valine, which is neutral and non-polar, at codon 92 of the NUP62 protein (p.Ile92Val). This variant is not present in population databases (gnomAD no frequency). This variant has not been reported in the literature in individuals affected with NUP62-related conditions. Algorithms developed to predict the effect of missense changes on protein structure and function output the following: SIFT: "Not Available"; PolyPhen-2: "Benign"; Align-GVGD: "Not Available". The valine amino acid residue is found in multiple mammalian species, which suggests that this missense change does not adversely affect protein function. In summary, the available evidence is currently insufficient to determine the role of this variant in disease. Therefore, it has been classified as a Variant of Uncertain Significance.

NM_016553.5(NUP62):c.274A>G (p.Ile92Val)

Genes: NUP62 (nucleoporin 62; minus strand), IL4I1 (interleukin 4 induced 1; minus strand). Cytogenetic location: 19q13.33.
Variant type: single nucleotide variant.
Coding change: c.274A>G on transcript NM_016553.5 (MANE Select); coding-DNA position 274, A replaced by G.
Protein change: p.Ile92Val; replaces isoleucine 92 with valine.
Molecular consequence: missense variant. On other transcripts: intron variant (3).
Genome position (GRCh38, 1-based): chr19:49,909,534, T>C on the plus strand (A>G on the coding strand, the complement: NUP62 is on the minus strand). VCF-style: chr19-49909534-T-C. GRCh37 (hg19) VCF-style: chr19-50412791-T-C.
Other names: c.274A>G, p.Ile92Val (NM_001193357.2, NM_012346.5, NM_153718.4 and 1 more transcripts); c.-227-5213A>G (NM_001258017.2, NM_172374.3); c.-285-5213A>G (NM_001258018.2); short protein forms I92V.
Identifiers: ClinVar variation 3684223 (VCV003684223.2).
Genomic context (GRCh38, chr19:49,909,534, plus strand): 5'-TGGGGTTTGCCATGGCTGGGGTGGCAGCTGTGTTGCTCAAGTTGAGCTTTGAAGCACCGA[T>C]CCCCAAAGAAAATCCAGTTCCCCCCGAAGCAAGAGTCGCTGTTCCAAAAGTGAAGCCTGT-3'
Protein context (NP_057637.2, residues 82-102): ASGGTGFSLG[Ile92Val]GASKLNLSNT